The following is an entry in ClinVar:

NM_000222.3(KIT):c.269C>A (p.Thr90Asn)

Gene: KIT (KIT proto-oncogene, receptor tyrosine kinase; plus strand). Cytogenetic location: 4q12.
Variant type: single nucleotide variant.
Coding change: c.269C>A on transcript NM_000222.3 (MANE Select); coding-DNA position 269, C replaced by A.
Protein change: p.Thr90Asn; replaces threonine 90 with asparagine.
Molecular consequence: missense variant.
Genome position (GRCh38, 1-based): chr4:54,695,713, C>A. VCF-style: chr4-54695713-C-A. GRCh37 (hg19) VCF-style: chr4-55561879-C-A.
Other names: c.269C>A, p.Thr90Asn (NM_001093772.2, NM_001385284.1, NM_001385285.1 and 4 more transcripts); short protein forms T90N.
Identifiers: ClinVar variation 963577 (VCV000963577.10), dbSNP rs1720018880, ClinGen allele CA356897210.

ClinVar aggregate classification (germline): Uncertain significance (1 of 4 stars; one submission).

Conditions:
Gastrointestinal stromal tumor. Also called: Gastrointestinal stromal tumor, somatic; Gastrointestinal stroma tumor. Identifiers: Orphanet 44890, MedGen C0238198, MeSH D046152, MONDO:0011719, OMIM 606764, HP:0100723.

Submission:

Labcorp Genetics (formerly Invitae), Labcorp
Classification: Uncertain significance for Gastrointestinal stromal tumor. Last evaluated: 2023-03-04. Review status: criteria provided, single submitter. Criteria: Invitae Variant Classification Sherloc (09022015). Collection method: clinical testing. Allele origin: germline.
Comment: In summary, the available evidence is currently insufficient to determine the role of this variant in disease. Therefore, it has been classified as a Variant of Uncertain Significance. An algorithm developed to predict the effect of missense changes on protein structure and function (PolyPhen-2) suggests that this variant is likely to be tolerated. ClinVar contains an entry for this variant (Variation ID: 963577). This variant has not been reported in the literature in individuals affected with KIT-related conditions. This variant is not present in population databases (gnomAD no frequency). This sequence change replaces threonine, which is neutral and polar, with asparagine, which is neutral and polar, at codon 90 of the KIT protein (p.Thr90Asn).